The following is an entry in ClinVar:

NM_001378609.3(OTOGL):c.2750A>C (p.Tyr917Ser)

Gene: OTOGL (otogelin like; plus strand). Cytogenetic location: 12q21.31.
Variant type: single nucleotide variant.
Coding change: c.2750A>C on transcript NM_001378609.3 (MANE Select); coding-DNA position 2750, A replaced by C.
Protein change: p.Tyr917Ser; replaces tyrosine 917 with serine.
Molecular consequence: missense variant.
Genome position (GRCh38, 1-based): chr12:80,278,236, A>C. VCF-style: chr12-80278236-A-C. GRCh37 (hg19) VCF-style: chr12-80672016-A-C.
Other names: c.2750A>C, p.Tyr917Ser (NM_001368062.3, NM_001378610.3, NM_173591.7); c.2723A>C (NM_173591.3); short protein forms Y917S.
Identifiers: ClinVar variation 1498509 (VCV001498509.7), dbSNP rs560766169, ClinGen allele CA385858029.

ClinVar aggregate classification (germline): Uncertain significance. Review status: criteria provided, multiple submitters, no conflicts (2 of 4 stars). 2 submissions from 2 submitters: Uncertain significance (2). Last evaluated 2025-03-27.

Conditions:
Inborn genetic diseases. Identifiers: MedGen C0950123, MeSH D030342.

Allele frequency attached by ClinVar (database versions not stated): TOPMed below 0.00001; gnomAD exomes 0.00001.
gnomAD v4.1: 12 of 1,546,358 alleles (0.00078%); highest among the groups gnomAD compares: Non-Finnish European, 0.001%; no homozygotes.

Submissions (2):

Ambry Genetics
Classification: Uncertain significance for Inborn genetic diseases. Last evaluated: 2025-03-27. Review status: criteria provided, single submitter. Criteria: Ambry Variant Classification Scheme 2023. Collection method: clinical testing. Allele origin: germline.

Labcorp Genetics (formerly Invitae), Labcorp
Classification: Uncertain significance. Last evaluated: 2022-01-26. Review status: criteria provided, single submitter. Criteria: Invitae Variant Classification Sherloc (09022015). Collection method: clinical testing. Allele origin: germline.
Comment: In summary, the available evidence is currently insufficient to determine the role of this variant in disease. Therefore, it has been classified as a Variant of Uncertain Significance. Algorithms developed to predict the effect of missense changes on protein structure and function are either unavailable or do not agree on the potential impact of this missense change (SIFT: "Deleterious"; PolyPhen-2: "Benign"; Align-GVGD: "Class C0"). This variant has not been reported in the literature in individuals affected with OTOGL-related conditions. This variant is present in population databases (no rsID available, gnomAD 0.002%). This sequence change replaces tyrosine, which is neutral and polar, with serine, which is neutral and polar, at codon 908 of the OTOGL protein (p.Tyr908Ser).